The following is an entry in ClinVar:

ClinVar aggregate classification (germline): Conflicting classifications of pathogenicity. Review status: criteria provided, conflicting classifications (1 of 4 stars). 3 submissions from 3 submitters: Likely pathogenic (1); Uncertain significance (1). 1 of the submissions does not count toward it. Last evaluated 2025-09-10.

Conditions:
3-methylcrotonyl-CoA carboxylase 1 deficiency (MCC1D). Also called: MCC 1 deficiency; 3 Alpha methylcrotonylglycinuria 1; MCCD TYPE 1; METHYLCROTONYLGLYCINURIA TYPE I. Identifiers: Orphanet 6, MedGen CN028786, MONDO:0008861, OMIM 210200.

Allele frequency attached by ClinVar (database versions not stated): gnomAD exomes below 0.00001.
gnomAD v4.1: 1 of 1,614,168 alleles (0.000062%); highest among the groups gnomAD compares: African/African-American, 0.0013%; no homozygotes.

Submissions (3):

Genomic Medicine Center of Excellence, King Faisal Specialist Hospital and Research Centre
Classification: Likely pathogenic for 3-methylcrotonyl-CoA carboxylase 1 deficiency. Last evaluated: 2025-09-10. Review status: criteria provided, single submitter. Criteria: ACMG Guidelines, 2015. Collection method: clinical testing. Allele origin: germline.

Labcorp Genetics (formerly Invitae), Labcorp
Classification: Uncertain significance for 3-methylcrotonyl-CoA carboxylase 1 deficiency. Last evaluated: 2021-09-01. Review status: criteria provided, single submitter. Criteria: Invitae Variant Classification Sherloc (09022015). Collection method: clinical testing. Allele origin: germline.
Comment: This sequence change replaces valine with alanine at codon 177 of the MCCC1 protein (p.Val177Ala). The valine residue is moderately conserved and there is a small physicochemical difference between valine and alanine. This variant is not present in population databases (ExAC no frequency). This variant has not been reported in the literature in individuals affected with MCCC1-related conditions. Algorithms developed to predict the effect of missense changes on protein structure and function (SIFT, PolyPhen-2, Align-GVGD) all suggest that this variant is likely to be disruptive. In summary, the available evidence is currently insufficient to determine the role of this variant in disease. Therefore, it has been classified as a Variant of Uncertain Significance.

Natera, Inc.
Classification: Uncertain significance for 3-methylcrotonyl-CoA carboxylase 1 deficiency. Last evaluated: 2021-10-14. Review status: no assertion criteria provided. Collection method: clinical testing. Allele origin: germline. Not counted in ClinVar's aggregate classification.

NM_020166.5(MCCC1):c.530T>C (p.Val177Ala)

Gene: MCCC1 (methylcrotonyl-CoA carboxylase subunit 1; minus strand). Cytogenetic location: 3q27.1.
Variant type: single nucleotide variant.
Coding change: c.530T>C on transcript NM_020166.5 (MANE Select); coding-DNA position 530, T replaced by C.
Protein change: p.Val177Ala; replaces valine 177 with alanine.
Molecular consequence: missense variant. On other transcripts: non-coding transcript variant (2).
Genome position (GRCh38, 1-based): chr3:183,071,319, A>G on the plus strand (T>C on the coding strand, the complement: MCCC1 is on the minus strand). VCF-style: chr3-183071319-A-G. GRCh37 (hg19) VCF-style: chr3-182789107-A-G.
Other names: c.179T>C, p.Val60Ala (NM_001293273.2); c.203T>C, p.Val68Ala (NM_001363880.1); short protein forms V177A, V60A, V68A.
Identifiers: ClinVar variation 1020968 (VCV001020968.11), dbSNP rs1716671130, ClinGen allele CA355330649.